The following is an entry in ClinVar:

ClinVar aggregate classification (germline): Conflicting classifications of pathogenicity. Review status: criteria provided, conflicting classifications (1 of 4 stars). 5 submissions from 5 submitters: Uncertain significance (1); Benign (2); Likely benign (1). 1 of the submissions does not count toward it. Last evaluated 2024-12-09.

Conditions:
Absence seizure. Also called: Absence epilepsy. Identifiers: Orphanet 1941, MedGen C0014553.
Myoclonic epilepsy, juvenile, susceptibility to, 1. Also called: Myoclonic Epilepsy, Juvenile, 1; EJM1. Identifiers: MedGen C1850778, MONDO:0020752, OMIM 254770.
EFHC1-related disorder. Also called: EFHC1-related condition.

Allele frequency attached by ClinVar (database versions not stated): gnomAD 0.00019 and 0.00038; ESP Exome Variant Server 0.00023; TOPMed 0.00036; gnomAD exomes 0.00076 and 0.00089; ExAC 0.00090; 1000 Genomes Project 0.00120; 1000 Genomes Project 30x 0.00125.
gnomAD v4.1: 1,154 of 1,614,178 alleles (0.071%); highest among the groups gnomAD compares: South Asian, 0.58%; 7 homozygotes.

Submissions (5):

Labcorp Genetics (formerly Invitae), Labcorp
Classification: Benign for Myoclonic epilepsy, juvenile, susceptibility to, 1; Absence seizure. Last evaluated: 2024-12-09. Review status: criteria provided, single submitter. Criteria: Invitae Variant Classification Sherloc (09022015). Collection method: clinical testing. Allele origin: germline.

CeGaT Center for Human Genetics Tuebingen
Classification: Benign. Last evaluated: 2023-02-01. Review status: criteria provided, single submitter. Criteria: CeGaT Center For Human Genetics Tuebingen Variant Classification Criteria Version 2. Collection method: clinical testing. Allele origin: germline. Affected: yes. Observed: 1 variant allele.
Comment: EFHC1: BS1, BS2

GeneDx
Classification: Uncertain significance. Last evaluated: 2015-10-19. Review status: criteria provided, single submitter. Criteria: GeneDx Variant Classification (06012015). Collection method: clinical testing. Allele origin: germline. Affected: yes.
Comment: p.Arg221Cys (CGT>TGT): c.661 C>T in exon 4 of the EFHC1 gene (NM_018100.3). The R221C variant has not been published as a mutation, nor has it been reported as a benign polymorphism to our knowledge. This variant was not observed with any significant frequency in approximately 6,500 individuals of European and African American ancestry in the NHLBI Exome Sequencing Project. A different amino acid substitution at the same position, R221H, co-segregated with juvenile myoclonic epilepsy (JME) in two families, both of whom also had the P77T variant on the same chromosome (Suzuki et al., 2004). Functional studies suggest R221H impairs apoptosis and alters calcium currents, suggesting this residue is important for normal protein function (Suzuki et al., 2004). However, this position is not well conserved through evolution. The R221C amino acid substitution is non-conservative, as a positively charged Arginine residue is replaced by an uncharged Cysteine residue, and the gain of a Cysteine residue could affect disulfide bond formation in the protein. Multiple in silico algorithms predict R221C may be damaging to protein structure/function. Therefore, based on the currently available information, it is unclear whether R221C is a pathogenic mutation or a rare benign variant. The variant is found in EPILEPSY panel(s).

Eurofins Ntd Llc (ga)
Classification: Likely benign. Last evaluated: 2015-07-13. Review status: criteria provided, single submitter. Criteria: EGL Classification Definitions 2015. Collection method: clinical testing. Allele origin: germline. Observed: 1 variant allele, 1 heterozygote.

PreventionGenetics, part of Exact Sciences
Classification: Likely benign for EFHC1-related condition. Last evaluated: 2021-03-19. Review status: no assertion criteria provided. Collection method: clinical testing. Allele origin: germline. Not counted in ClinVar's aggregate classification.
Comment: This variant is classified as likely benign based on ACMG/AMP sequence variant interpretation guidelines (Richards et al. 2015 PMID: 25741868, with internal and published modifications).

NM_018100.4(EFHC1):c.661C>T (p.Arg221Cys)

Gene: EFHC1 (EF-hand domain containing 1; plus strand). Cytogenetic location: 6p12.2.
Variant type: single nucleotide variant.
Coding change: c.661C>T on transcript NM_018100.4 (MANE Select); coding-DNA position 661, C replaced by T.
Protein change: p.Arg221Cys; replaces arginine 221 with cysteine.
Molecular consequence: missense variant. On other transcripts: non-coding transcript variant (1).
Genome position (GRCh38, 1-based): chr6:52,452,775, C>T. VCF-style: chr6-52452775-C-T. GRCh37 (hg19) VCF-style: chr6-52317573-C-T.
Other names: p.R221C:CGT>TGT; c.604C>T, p.Arg202Cys (NM_001172420.2); short protein forms R221C, R202C.
Identifiers: ClinVar variation 205383 (VCV000205383.42), dbSNP rs139197513, ClinGen allele CA314404.